The following is an entry in ClinVar:

ClinVar aggregate classification (germline): Uncertain significance (1 of 4 stars; one submission).

Conditions:
Dilated cardiomyopathy 1O (CMD1O). Also called: CARDIOMYOPATHY, DILATED, WITH VENTRICULAR TACHYCARDIA. Identifiers: Orphanet 154, MedGen C1837839, MONDO:0012062, OMIM 608569.

Submission:

Labcorp Genetics (formerly Invitae), Labcorp
Classification: Uncertain significance for Dilated cardiomyopathy 1O. Last evaluated: 2019-07-30. Review status: criteria provided, single submitter. Criteria: Invitae Variant Classification Sherloc (09022015). Collection method: clinical testing. Allele origin: germline.
Comment: In summary, this variant is a rare in-frame deletion with uncertain impact on protein function. It has been classified as a Variant of Uncertain Significance. Experimental studies and prediction algorithms are not available for this variant, and the functional significance of the deleted amino acid is currently unknown. This variant is not present in population databases (ExAC no frequency) and has not been reported in the literature in individuals with an ABCC9-related disease. This sequence change deletes 3 nucleotides from exon 24 of the ABCC9 mRNA (c.2889_2891delGGA). This leads to the deletion of 1 amino acid residue in the ABCC9 protein (p.Glu963del) but otherwise preserves the integrity of the reading frame.

NM_020297.4(ABCC9):c.2889_2891del (p.Glu963del)

Gene: ABCC9 (ATP binding cassette subfamily C member 9; minus strand). Cytogenetic location: 12p12.1.
Variant type: Deletion.
Coding change: c.2889_2891del on transcript NM_020297.4 (MANE Select); coding-DNA positions 2889 to 2891, 3 bases deleted (GGA; older notation c.2889_2891delGGA).
Protein change: p.Glu963del; deletes glutamic acid 963.
Molecular consequence: inframe deletion.
Genome position (GRCh38, 1-based): chr12:21,845,808-21,845,810, TCC deleted on the plus strand (GGA on the coding strand, the reverse complement: ABCC9 is on the minus strand); deleting any 3 consecutive bases within chr12:21,845,808-21,845,812 gives the same sequence; the c. name uses the placement nearest the transcript's 3' end. VCF-style (leftmost placement, unchanged base first): chr12-21845807-ATCC-A. GRCh37 (hg19) VCF-style: chr12-21998741-ATCC-A.
Other names: c.2889_2891delGGA (NM_005691.3); c.2889_2891del, p.Glu963del (NM_001377273.1, NM_005691.4); c.2022_2024del, p.Glu674del (NM_001377274.1); short protein forms E963del, E674del.
Identifiers: ClinVar variation 464662 (VCV000464662.10), dbSNP rs1555187363, ClinGen allele CA658658125.
Genomic context (GRCh38, chr12:21,845,807, plus strand): 5'-GCGCCAGCAGGTTTTCCATGGCATTTTAGTCCTGAGCCTCATTACAGTGGACATGTTATC[ATCC>A]TCATCTTCCTCCTCTTCTTCCTCTACATACAAAAAACTTTTGTTTAAGCTTCAGATGGGC-3'